The following is an entry in ClinVar:

ClinVar aggregate classification (germline): Uncertain significance (1 of 4 stars; one submission).

Conditions:
Dilated cardiomyopathy 1G (CMD1G). Identifiers: Orphanet 154, MedGen C1858763, MONDO:0011400, OMIM 604145.
Autosomal recessive limb-girdle muscular dystrophy type 2J (LGMDR10). Also called: Limb-girdle muscular dystrophy, type 2J; MUSCULAR DYSTROPHY, LIMB-GIRDLE, AUTOSOMAL RECESSIVE 10. Identifiers: Orphanet 140922, MedGen C1837342, MONDO:0012127, OMIM 608807.

Submission:

Labcorp Genetics (formerly Invitae), Labcorp
Classification: Uncertain significance for Dilated cardiomyopathy 1G; Autosomal recessive limb-girdle muscular dystrophy type 2J. Last evaluated: 2024-03-10. Review status: criteria provided, single submitter. Criteria: Invitae Variant Classification Sherloc (09022015). Collection method: clinical testing. Allele origin: germline.
Comment: This sequence change replaces arginine, which is basic and polar, with serine, which is neutral and polar, at codon 33950 of the TTN protein (p.Arg33950Ser). This variant is not present in population databases (gnomAD no frequency). This variant has not been reported in the literature in individuals affected with TTN-related conditions. Experimental studies and prediction algorithms are not available or were not evaluated, and the functional significance of this variant is currently unknown. This variant is located in the M band of TTN (PMID: 25589632). Non-truncating variants in this region may be relevant for neuromuscular disorders, but have not been definitively shown to cause cardiomyopathy (PMID: 23975875). In summary, the available evidence is currently insufficient to determine the role of this variant in disease. Therefore, it has been classified as a Variant of Uncertain Significance.

Literature cited by the submitters: PubMed 25589632; PubMed 23975875.

NM_001267550.2(TTN):c.101850A>C (p.Arg33950Ser)

Genes: TTN (titin; minus strand), TTN-AS1 (TTN antisense RNA 1; plus strand). Cytogenetic location: 2q31.2.
Variant type: single nucleotide variant.
Coding change: c.101850A>C on transcript NM_001267550.2 (MANE Select); coding-DNA position 101850, A replaced by C.
Protein change: p.Arg33950Ser; replaces arginine 33950 with serine.
Molecular consequence: missense variant.
Genome position (GRCh38, 1-based): chr2:178,534,765, T>G on the plus strand (A>C on the coding strand, the complement: TTN is on the minus strand). VCF-style: chr2-178534765-T-G. GRCh37 (hg19) VCF-style: chr2-179399492-T-G.
Other names: c.96927A>C, p.Arg32309Ser (NM_001256850.1); c.74655A>C, p.Arg24885Ser (NM_003319.4); c.94146A>C, p.Arg31382Ser (NM_133378.4); c.75030A>C, p.Arg25010Ser (NM_133432.3); c.75231A>C, p.Arg25077Ser (NM_133437.4); short protein forms R24885S, R25010S, R25077S, R31382S, R32309S, R33950S.
Identifiers: ClinVar variation 3755212 (VCV003755212.2).